The following is an entry in ClinVar:

NM_001080467.3(MYO5B):c.1404+5G>A

Gene: MYO5B (myosin VB; minus strand). Cytogenetic location: 18q21.1.
Variant type: single nucleotide variant.
Coding change: c.1404+5G>A on transcript NM_001080467.3 (MANE Select); 5 bases into the intron after coding-DNA position 1404, G replaced by A.
Molecular consequence: intron variant.
Genome position (GRCh38, 1-based): chr18:49,962,944, C>T on the plus strand (G>A on the coding strand, the complement: MYO5B is on the minus strand). VCF-style: chr18-49962944-C-T. GRCh37 (hg19) VCF-style: chr18-47489314-C-T.
Identifiers: ClinVar variation 3391268 (VCV003391268.1).
Genomic context (GRCh38, chr18:49,962,944, plus strand): 5'-CTGTCTGTCCCTCCCAGAGGAGTCCCCCCAATCCTGGTACCCCCAGGTCTAGAAACCAAG[C>T]CTACCGAGTTGAACTGCTGCTGGAGCTTTTCATTTGCATAGTTGATACAGAACTGCTCAA-3'

ClinVar aggregate classification (germline): Uncertain significance (1 of 4 stars; one submission).

Conditions:
Cholestasis, progressive familial intrahepatic, 10 (PFIC10). Identifiers: MedGen C5676981, MONDO:0030810, OMIM 619868.

Submission:

Neuberg Centre For Genomic Medicine, NCGM
Classification: Uncertain significance for Cholestasis, progressive familial intrahepatic, 10. Last evaluated: 2023-07-22. Review status: criteria provided, single submitter. Criteria: ACMG Guidelines, 2015. Collection method: clinical testing. Allele origin: germline. Inheritance: Autosomal recessive inheritance. Affected: yes.
Comment: The observed splice region c.1404+5G>A variant in MYO5B gene has not been reported previously as a pathogenic variant nor a benign variant, to our knowledge. The c.1404+5G>A variant is absent in gnomAD Exomes. This variant has not been submitted to the ClinVar database. For these reasons, this variant has been classified as a Variant of Uncertain Significance VUS.